The following is an entry in ClinVar:

ClinVar aggregate classification (germline): Uncertain significance. Review status: criteria provided, multiple submitters, no conflicts (2 of 4 stars). 2 submissions from 2 submitters: Uncertain significance (2). Last evaluated 2022-10-26.

Conditions:
PRPH2-related disorder. Also called: PRPH2-related disorders; PRPH2-related condition. Identifiers: MedGen CN239395.

Allele frequency attached by ClinVar (database versions not stated): ExAC 0.00002; TOPMed 0.00002; gnomAD 0.00003.
gnomAD v4.1: 12 of 1,614,046 alleles (0.00074%); highest among the groups gnomAD compares: African/African-American, 0.0093%; no homozygotes.

Submissions (2):

Labcorp Genetics (formerly Invitae), Labcorp
Classification: Uncertain significance for PRPH2-related disorder. Last evaluated: 2022-10-26. Review status: criteria provided, single submitter. Criteria: Invitae Variant Classification Sherloc (09022015). Collection method: clinical testing. Allele origin: germline.
Comment: This sequence change replaces arginine, which is basic and polar, with glutamine, which is neutral and polar, at codon 46 of the PRPH2 protein (p.Arg46Gln). This variant is present in population databases (rs746940785, gnomAD 0.007%). This missense change has been observed in individual(s) with retinitis pigmentosa (PMID: 19958124). Advanced modeling of protein sequence and biophysical properties (such as structural, functional, and spatial information, amino acid conservation, physicochemical variation, residue mobility, and thermodynamic stability) has been performed at Invitae for this missense variant, however the output from this modeling did not meet the statistical confidence thresholds required to predict the impact of this variant on PRPH2 protein function. In summary, the available evidence is currently insufficient to determine the role of this variant in disease. Therefore, it has been classified as a Variant of Uncertain Significance.

Blueprint Genetics
Classification: Uncertain significance. Last evaluated: 2022-09-29. Review status: criteria provided, single submitter. Criteria: ACMG Guidelines, 2015. Collection method: clinical testing. Allele origin: germline.

Literature cited by the submitters: PubMed 19958124 (cited by Labcorp Genetics (formerly Invitae), Labcorp).

NM_000322.5(PRPH2):c.137G>A (p.Arg46Gln)

Gene: PRPH2 (peripherin 2; minus strand). Cytogenetic location: 6p21.1.
Variant type: single nucleotide variant.
Coding change: c.137G>A on transcript NM_000322.5 (MANE Select); coding-DNA position 137, G replaced by A.
Protein change: p.Arg46Gln; replaces arginine 46 with glutamine.
Molecular consequence: missense variant.
Genome position (GRCh38, 1-based): chr6:42,722,198, C>T on the plus strand (G>A on the coding strand, the complement: PRPH2 is on the minus strand). VCF-style: chr6-42722198-C-T. GRCh37 (hg19) VCF-style: chr6-42689936-C-T.
Other names: short protein forms R46Q.
Identifiers: ClinVar variation 1907832 (VCV001907832.6), dbSNP rs746940785, ClinGen allele CA3808660.
Genomic context (GRCh38, chr6:42,722,198, plus strand): 5'-CCTATCAATGAGTTGGGCACAAAATGGCTCTCAGAATTATTCATCACATCGCTCCTCTTT[C>T]GGAGTTCAATCTTCAGGAACAGTCCTAGGCTGAAGATGATGATGCCAGCCAACACGGAGA-3'
Protein context (NP_000313.2, residues 36-56): SLGLFLKIEL[Arg46Gln]KRSDVMNNSE